The following is an entry in ClinVar:

Conditions:
Breast-ovarian cancer, familial, susceptibility to, 1 (BROVCA1). Also called: BRCA1 Hereditary Breast and Ovarian Cancer; OVARIAN CANCER, SUSCEPTIBILITY TO. Identifiers: Orphanet 145, MedGen C2676676, MONDO:0011450, OMIM 604370. Disease mechanism: loss of function.

Submission:

Brotman Baty Institute, University of Washington
No classification provided (evidence only). Condition: Breast-ovarian cancer, familial 1. Review status: no classification provided. Collection method: in vitro. Allele origin: not applicable. Functional consequence: functionally_normal.
ClinVar note: "not provided" was previously submitted as the classification for the variant. However, the classification appeared to be based only on an observation of functional data so it was converted to no classification on 2025-07-30.

NM_007294.4(BRCA1):c.5241A>T (p.Gln1747His)

Gene: BRCA1 (BRCA1 DNA repair associated; minus strand). Cytogenetic location: 17q21.31.
Variant type: single nucleotide variant.
Coding change: c.5241A>T on transcript NM_007294.4 (MANE Select); coding-DNA position 5241, A replaced by T.
Protein change: p.Gln1747His; replaces glutamine 1747 with histidine.
Molecular consequence: missense variant. On other transcripts: non-coding transcript variant (1).
Genome position (GRCh38, 1-based): chr17:43,057,088, T>A on the plus strand (A>T on the coding strand, the complement: BRCA1 is on the minus strand). VCF-style: chr17-43057088-T-A. GRCh37 (hg19) VCF-style: chr17-41209105-T-A.
Other names: c.5028A>T, p.Gln1676His (NM_001407571.1, NM_001407900.1, NM_001407902.1 and 12 more transcripts); c.5307A>T, p.Gln1769His (NM_001407581.1, NM_001407582.1); c.5304A>T, p.Gln1768His (NM_001407583.1, NM_001407585.1, NM_001407587.1 and 1 more transcripts); c.5238A>T, p.Gln1746His (NM_001407610.1, NM_001407611.1, NM_001407612.1 and 17 more transcripts); c.5235A>T, p.Gln1745His (NM_001407629.1, NM_001407630.1, NM_001407631.1 and 14 more transcripts); c.5181A>T, p.Gln1727His (NM_001407649.1); c.5163A>T, p.Gln1721His (NM_001407652.1, NM_001407653.1, NM_001407654.1 and 1 more transcripts); c.5160A>T, p.Gln1720His (NM_001407656.1, NM_001407657.1, NM_001407658.1); and 72 more; short protein forms Q1700H, Q1768H, Q1747H, Q643H, Q1451H, Q1578H, Q1635H, Q1676H.
Identifiers: ClinVar variation 867883 (VCV000867883.3), dbSNP rs397509242, ClinGen allele CA10591059.